The following is an entry in ClinVar:

ClinVar aggregate classification (germline): Uncertain significance. Review status: criteria provided, multiple submitters, no conflicts (2 of 4 stars). 2 submissions from 2 submitters: Uncertain significance (2). Last evaluated 2020-11-13.

Conditions:
Bethlem myopathy 1A. Also called: Bethlem myopathy 1; MYOPATHY, BENIGN CONGENITAL, WITH CONTRACTURES; Bethlem Muscular Dystrophy. Identifiers: Orphanet 610, MedGen CN029274, MONDO:0024530, OMIM 158810.

Allele frequency attached by ClinVar (database versions not stated): gnomAD exomes below 0.00001 and 0.00001; ExAC 0.00001; gnomAD 0.00001; TOPMed 0.00001.

Submissions (2):

Labcorp Genetics (formerly Invitae), Labcorp
Classification: Uncertain significance for Bethlem myopathy 1A. Last evaluated: 2020-11-13. Review status: criteria provided, single submitter. Criteria: Invitae Variant Classification Sherloc (09022015). Collection method: clinical testing. Allele origin: germline.
Comment: This sequence change replaces alanine with valine at codon 168 of the COL6A3 protein (p.Ala168Val). The alanine residue is moderately conserved and there is a small physicochemical difference between alanine and valine. This variant is present in population databases (rs757496683, ExAC 0.009%). This variant has not been reported in the literature in individuals with COL6A3-related conditions. Advanced modeling of protein sequence and biophysical properties (such as structural, functional, and spatial information, amino acid conservation, physicochemical variation, residue mobility, and thermodynamic stability) performed at Invitae indicates that this missense variant is not expected to disrupt COL6A3 protein function. In summary, the available evidence is currently insufficient to determine the role of this variant in disease. Therefore, it has been classified as a Variant of Uncertain Significance.

GeneDx
Classification: Uncertain significance. Last evaluated: 2020-10-26. Review status: criteria provided, single submitter. Criteria: GeneDx Variant Classification Process June 2021. Collection method: clinical testing. Allele origin: germline. Affected: yes.
Comment: Not observed at a significant frequency in large population cohorts (Lek et al., 2016); In silico analysis supports that this missense variant does not alter protein structure/function; Has not been previously published as pathogenic or benign to our knowledge

NM_004369.4(COL6A3):c.503C>T (p.Ala168Val)

Gene: COL6A3 (collagen type VI alpha 3 chain; minus strand). Cytogenetic location: 2q37.3.
Variant type: single nucleotide variant.
Coding change: c.503C>T on transcript NM_004369.4 (MANE Select); coding-DNA position 503, C replaced by T.
Protein change: p.Ala168Val; replaces alanine 168 with valine.
Molecular consequence: missense variant. On other transcripts: intron variant (4).
Genome position (GRCh38, 1-based): chr2:237,394,793, G>A on the plus strand (C>T on the coding strand, the complement: COL6A3 is on the minus strand). VCF-style: chr2-237394793-G-A. GRCh37 (hg19) VCF-style: chr2-238303436-G-A.
Other names: c.91+1934C>T (NM_057166.5, NM_057167.4, NM_057164.5 and 1 more transcripts); short protein forms A168V.
Identifiers: ClinVar variation 1313593 (VCV001313593.9), dbSNP rs757496683, ClinGen allele CA2189850.